The following is an entry in ClinVar:

NM_000053.4(ATP7B):c.2784CAT[2] (p.Ile930del)

Gene: ATP7B (ATPase copper transporting beta; minus strand). Cytogenetic location: 13q14.3.
Variant type: Microsatellite.
Coding change: c.2784CAT[2] on transcript NM_000053.4 (MANE Select); two copies in a row of the 3-base unit CAT starting at c.2784; the reference has three copies in a row; one copy, 3 bases deleted; also written c.2790_2792del.
Protein change: p.Ile930del; deletes isoleucine 930.
Molecular consequence: inframe deletion. On other transcripts: intron variant (1).
Genome position (GRCh38, 1-based): chr13:51,949,735-51,949,737, ATG deleted on the plus strand (CAT on the coding strand, the reverse complement: ATP7B is on the minus strand); deleting any 3 consecutive bases within chr13:51,949,735-51,949,745 gives the same sequence; the position shown is the placement nearest the transcript's 3' end. VCF-style (leftmost placement, unchanged base first): chr13-51949734-CATG-C. GRCh37 (hg19) VCF-style: chr13-52523870-CATG-C.
Other names: c.2790_2792delCAT (NM_000053.3); c.2451CAT[2], p.Ile819del (NM_001243182.2); c.2550CAT[2], p.Ile852del (NM_001330578.2); c.2532CAT[2], p.Ile846del (NM_001330579.2); c.2244+264CAT[2] (NM_001005918.3); c.2790_2792del (NM_000053.4); short protein forms I846del, I852del, I930del, I819del.
Identifiers: ClinVar variation 857524 (VCV000857524.18), dbSNP rs1228359983, ClinGen allele CA610425775.

ClinVar aggregate classification (germline): Pathogenic/Likely pathogenic. Review status: criteria provided, multiple submitters, no conflicts (2 of 4 stars). 7 submissions from 7 submitters: Pathogenic (4); Likely pathogenic (3). Last evaluated 2025-08-12.

Conditions:
Wilson disease (WND). Also called: Wilson's disease. Identifiers: Orphanet 905, MedGen C0019202, MONDO:0010200, OMIM 277900. Disease mechanism: loss of function.

Submissions (7):

Natera, Inc.
Classification: Pathogenic for Wilson disease. Last evaluated: 2025-08-12. Review status: criteria provided, single submitter. Criteria: Natera Variant Classification Schema (03/2026). Collection method: clinical testing. Allele origin: germline.
Comment: The c.2790_2792delCAT variant in ATP7B is an in-frame deletion predicted to remove isoleucine at amino acid 930 while preserving the reading frame. This variant is rare in the general population with a frequency below the threshold expected for the associated phenotype(s). This variant has been observed in one or more individuals affected with the associated recessive disease, as either homozygous or compound heterozygous with a second variant (PMID: 35220961). Computational prediction algorithms indicate this variant is likely to affect gene or protein function. Given the available evidence, this variant is classified as Pathogenic.

Color Diagnostics, LLC DBA Color Health
Classification: Likely pathogenic for Wilson disease. Last evaluated: 2025-06-30. Review status: criteria provided, single submitter. Criteria: ACMG Guidelines, 2015. Collection method: clinical testing. Allele origin: germline.
Comment: This variant causes an in-frame deletion of one amino acid in the ATP7B protein. To our knowledge, functional studies have not been reported for this variant. This variant has been reported in many individuals affected with Wilson disease, including in the compound heterozygous state (PMID: 26782526, 27022412, 28212618, 29381936, 30655162, 34470610). This variant has been identified in 1/31406 chromosomes in the general population by the Genome Aggregation Database (gnomAD). Based on the available evidence, this variant is classified as Likely Pathogenic.

Labcorp Genetics (formerly Invitae), Labcorp
Classification: Pathogenic for Wilson disease. Last evaluated: 2025-04-29. Review status: criteria provided, single submitter. Criteria: Invitae Variant Classification Sherloc (09022015). Collection method: clinical testing. Allele origin: germline.
Comment: This variant, c.2790_2792del, results in the deletion of 1 amino acid(s) of the ATP7B protein (p.Ile930del), but otherwise preserves the integrity of the reading frame. This variant is present in population databases (no rsID available, gnomAD 0.1%). This variant has been observed in individual(s) with Wilson disease (PMID: 28212618, 29381936, 37681011). In at least one individual the data is consistent with being in trans (on the opposite chromosome) from a pathogenic variant. It has also been observed to segregate with disease in related individuals. ClinVar contains an entry for this variant (Variation ID: 857524). Experimental studies and prediction algorithms are not available or were not evaluated, and the functional significance of this variant is currently unknown. For these reasons, this variant has been classified as Pathogenic.

Baylor Genetics
Classification: Pathogenic for Wilson disease. Last evaluated: 2024-02-27. Review status: criteria provided, single submitter. Criteria: ACMG Guidelines, 2015. Collection method: clinical testing. Allele origin: unknown.

All of Us Research Program, National Institutes of Health
Classification: Likely pathogenic for Wilson disease. Last evaluated: 2023-08-08. Review status: criteria provided, single submitter. Criteria: ACMG Guidelines, 2015. Collection method: clinical testing. Allele origin: germline. Inheritance: Autosomal recessive inheritance. Observed: 1 variant allele, 1 heterozygote.
Comment: This variant causes an in-frame deletion of one amino acid in the ATP7B protein. To our knowledge, functional studies have not been reported for this variant. This variant has been reported in many individuals affected with Wilson disease, including in the compound heterozygous state (PMID: 26782526, 27022412, 28212618, 29381936, 30655162, 34470610). In one family, two brothers affected with Wilson disease were compound heterozygous for c.2790_2792del and Arg778Leu and their sister was an unaffected carrier of c.2790_2792del. (PMID: 29381936). This variant has been identified in 1/31406 chromosomes in the general population by the Genome Aggregation Database (gnomAD). Based on the available evidence, this variant is classified as Likely Pathogenic.

This study involves interpretation of variants in research participants for the purpose of population health screening. Participant phenotype was not available at the time of variant classification. Additional details can be found in publication PMID: 35346344, PMCID: PMC8962531

Women's Health and Genetics/Laboratory Corporation of America, LabCorp
Classification: Pathogenic for Wilson disease. Last evaluated: 2023-04-27. Review status: criteria provided, single submitter. Criteria: LabCorp Variant Classification Summary - May 2015. Collection method: clinical testing. Allele origin: germline.
Comment: Variant summary: ATP7B c.2790_2792delCAT (p.Ile930del) results in an in-frame deletion that is predicted to remove one amino acids from the encoded protein. The variant allele was found at a frequency of 6.6e-06 in 150936 control chromosomes (gnomAD v3.1, genomes dataset). c.2790_2792delCAT has been reported in the literature in several individuals affected with Wilson Disease (e.g. Zhang_2011 [No PMID], Yu_2017, Zhang_2022). These data indicate that the variant is very likely to be associated with disease. To our knowledge, no experimental evidence demonstrating an impact on protein function has been reported. The following publications have been ascertained in the context of this evaluation (PMID: 28212618, 35220961). Three clinical diagnostic laboratories have submitted clinical-significance assessments for this variant to ClinVar after 2014 without evidence for independent evaluation. All laboratories classified the variant as likely pathogenic. Based on the evidence outlined above, the variant was classified as pathogenic.

AiLife Diagnostics
Classification: Likely pathogenic. Last evaluated: 2022-03-29. Review status: criteria provided, single submitter. Criteria: ACMG Guidelines, 2015. Collection method: clinical testing. Allele origin: germline. Affected: yes. Observed: 1 variant allele.

Literature cited by the submitters: PubMed 35220961 (cited by Natera, Inc. and Women's Health and Genetics/Laboratory Corporation of America, LabCorp); PubMed 26782526 (cited by 3 submitters); PubMed 27022412 (cited by Color Diagnostics, LLC DBA Color Health and All of Us Research Program, National Institutes of Health); PubMed 28212618 (cited by 5 submitters); PubMed 29381936 (cited by 4 submitters); PubMed 30655162 (cited by 3 submitters); PubMed 34470610 (cited by Color Diagnostics, LLC DBA Color Health and All of Us Research Program, National Institutes of Health); PubMed 37681011 (cited by Labcorp Genetics (formerly Invitae), Labcorp).